The following is an entry in ClinVar:

ClinVar aggregate classification (germline): Uncertain significance. Review status: criteria provided, multiple submitters, no conflicts (2 of 4 stars). 2 submissions from 2 submitters: Uncertain significance (2). Last evaluated 2025-04-14.

Conditions:
Perlman syndrome (PRLMNS). Identifiers: Orphanet 2849, MedGen C0796113, MONDO:0009965, OMIM 267000.

gnomAD v4.1: 4 of 1,614,086 alleles (0.00025%); highest among the groups gnomAD compares: East Asian, 0.0067%; no homozygotes.

Submissions (2):

Labcorp Genetics (formerly Invitae), Labcorp
Classification: Uncertain significance for Perlman syndrome. Last evaluated: 2025-04-14. Review status: criteria provided, single submitter. Criteria: Invitae Variant Classification Sherloc (09022015). Collection method: clinical testing. Allele origin: germline.
Comment: This sequence change replaces arginine, which is basic and polar, with threonine, which is neutral and polar, at codon 446 of the DIS3L2 protein (p.Arg446Thr). This variant is present in population databases (no rsID available, gnomAD 0.0009%). This variant has not been reported in the literature in individuals affected with DIS3L2-related conditions. ClinVar contains an entry for this variant (Variation ID: 895574). Invitae Evidence Modeling of protein sequence and biophysical properties (such as structural, functional, and spatial information, amino acid conservation, physicochemical variation, residue mobility, and thermodynamic stability) indicates that this missense variant is not expected to disrupt DIS3L2 protein function with a negative predictive value of 80%. In summary, the available evidence is currently insufficient to determine the role of this variant in disease. Therefore, it has been classified as a Variant of Uncertain Significance.

Illumina Laboratory Services, Illumina
Classification: Uncertain significance for Perlman syndrome. Last evaluated: 2018-01-12. Review status: criteria provided, single submitter. Criteria: ICSL Variant Classification Criteria 13 December 2019. Collection method: clinical testing. Allele origin: germline.

NM_152383.5(DIS3L2):c.1337G>C (p.Arg446Thr)

Gene: DIS3L2 (DIS3 like 3'-5' exoribonuclease 2; plus strand). Cytogenetic location: 2q37.1.
Variant type: single nucleotide variant.
Coding change: c.1337G>C on transcript NM_152383.5 (MANE Select); coding-DNA position 1337, G replaced by C.
Protein change: p.Arg446Thr; replaces arginine 446 with threonine.
Molecular consequence: missense variant. On other transcripts: non-coding transcript variant (2).
Genome position (GRCh38, 1-based): chr2:232,249,258, G>C. VCF-style: chr2-232249258-G-C. GRCh37 (hg19) VCF-style: chr2-233113968-G-C.
Other names: c.1337G>C, p.Arg446Thr (NM_001257281.2); short protein forms R446T.
Identifiers: ClinVar variation 895574 (VCV000895574.7), dbSNP rs369290389, ClinGen allele CA67523428.